The following is an entry in ClinVar:

ClinVar aggregate classification (germline): Pathogenic/Likely pathogenic. Review status: criteria provided, multiple submitters, no conflicts (2 of 4 stars). 6 submissions from 6 submitters: Pathogenic (1); Likely pathogenic (3). 2 of the submissions do not count toward it. Last evaluated 2023-03-27.

Conditions:
Bethlem myopathy 2 (BTHLM2). Identifiers: Orphanet 536516, Orphanet 610, MedGen C4225313, MONDO:0034022, OMIM 616471.
Ullrich congenital muscular dystrophy 2 (UCMD2). Identifiers: Orphanet 75840, MedGen C4225314, MONDO:0014654, OMIM 616470.

Allele frequency attached by ClinVar (database versions not stated): gnomAD exomes below 0.00001; TOPMed below 0.00001.
gnomAD v4.1: 3 of 1,612,180 alleles (0.00019%); highest among the groups gnomAD compares: Non-Finnish European, 0.00025%; no homozygotes.

Submissions (6):

Labcorp Genetics (formerly Invitae), Labcorp
Classification: Pathogenic for Bethlem myopathy 2; Ullrich congenital muscular dystrophy 2. Last evaluated: 2023-03-27. Review status: criteria provided, single submitter. Criteria: Invitae Variant Classification Sherloc (09022015). Collection method: clinical testing. Allele origin: germline.
Comment: This sequence change replaces isoleucine, which is neutral and non-polar, with threonine, which is neutral and polar, at codon 2334 of the COL12A1 protein (p.Ile2334Thr). This variant is not present in population databases (gnomAD no frequency). This missense change has been observed in individual(s) with autosomal dominant COL12A1-related conditions (PMID: 24334604, 29858556). In at least one individual the variant was observed to be de novo. This variant has been reported in individual(s) with autosomal recessive COL12A1-related conditions (PMID: 29858556); however, the role of the variant in this condition is currently unclear. This variant is also known as c.7167T>C. ClinVar contains an entry for this variant (Variation ID: 204295). Advanced modeling of protein sequence and biophysical properties (such as structural, functional, and spatial information, amino acid conservation, physicochemical variation, residue mobility, and thermodynamic stability) has been performed at Invitae for this missense variant, however the output from this modeling did not meet the statistical confidence thresholds required to predict the impact of this variant on COL12A1 protein function. For these reasons, this variant has been classified as Pathogenic.

GeneDx
Classification: Likely pathogenic. Last evaluated: 2023-03-01. Review status: criteria provided, single submitter. Criteria: GeneDx Variant Classification Process June 2021. Collection method: clinical testing. Allele origin: germline. Affected: yes.
Comment: In silico analysis supports that this missense variant has a deleterious effect on protein structure/function; Not observed at significant frequency in large population cohorts (gnomAD); This variant is associated with the following publications: (PMID: 29858556, 31216405, 24334604)

Revvity Omics, Revvity
Classification: Likely pathogenic. Last evaluated: 2020-05-28. Review status: criteria provided, single submitter. Criteria: ACMG Guidelines, 2015. Collection method: clinical testing. Allele origin: germline.

Baylor Genetics
Classification: Likely pathogenic for Ullrich congenital muscular dystrophy 2; Bethlem myopathy 2. Last evaluated: 2018-10-12. Review status: criteria provided, single submitter. Criteria: ACMG Guidelines, 2015. Collection method: clinical testing. Allele origin: germline. Affected: yes.

Institute of Human Genetics, Cologne University
Classification: Pathogenic for Ullrich congenital muscular dystrophy 2. Last evaluated: 2018-04-25. Review status: no assertion criteria provided. Collection method: clinical testing. Allele origin: germline. Affected: yes. Not counted in ClinVar's aggregate classification.

OMIM
Classification: Pathogenic for BETHLEM MYOPATHY 2. Last evaluated: 2014-05-01. Review status: no assertion criteria provided. Collection method: literature only. Allele origin: germline. Not counted in ClinVar's aggregate classification.

Literature cited by the submitters: PubMed 24334604 (cited by 3 submitters); PubMed 29858556 (cited by Labcorp Genetics (formerly Invitae), Labcorp).

NM_004370.6(COL12A1):c.7001T>C (p.Ile2334Thr)

Gene: COL12A1 (collagen type XII alpha 1 chain; minus strand). Cytogenetic location: 6q13.
Variant type: single nucleotide variant.
Coding change: c.7001T>C on transcript NM_004370.6 (MANE Select); coding-DNA position 7001, T replaced by C.
Protein change: p.Ile2334Thr; replaces isoleucine 2334 with threonine.
Molecular consequence: missense variant.
Genome position (GRCh38, 1-based): chr6:75,121,387, A>G on the plus strand (T>C on the coding strand, the complement: COL12A1 is on the minus strand). VCF-style: chr6-75121387-A-G. GRCh37 (hg19) VCF-style: chr6-75831103-A-G.
Other names: c.3509T>C, p.Ile1170Thr (NM_080645.3); short protein forms I2334T, I1170T.
Identifiers: ClinVar variation 204295 (VCV000204295.16), dbSNP rs796052093, ClinGen allele CA203987.